The following is an entry in ClinVar:

NM_201590.3(CACNB2):c.20T>A (p.Ile7Lys)

Gene: CACNB2 (calcium voltage-gated channel auxiliary subunit beta 2; plus strand). Cytogenetic location: 10p12.32.
Variant type: single nucleotide variant.
Coding change: c.20T>A on transcript NM_201590.3 (MANE Plus Clinical); coding-DNA position 20, T replaced by A.
Protein change: p.Ile7Lys; replaces isoleucine 7 with lysine.
Molecular consequence: missense variant. On other transcripts: intron variant (8).
Genome position (GRCh38, 1-based): chr10:18,340,946, T>A. VCF-style: chr10-18340946-T-A. GRCh37 (hg19) VCF-style: chr10-18629875-T-A.
Other names: c.130-60978T>A (NM_201571.4, NM_001167945.2, NM_201572.4); c.214-60978T>A (NM_201596.3, NM_201593.3, NM_201597.3); c.49-60978T>A (NM_000724.4, NM_001330060.2); short protein forms I7K.
Identifiers: ClinVar variation 3994600 (VCV003994600.1).

ClinVar aggregate classification (germline): Uncertain significance (1 of 4 stars; one submission).

Conditions:
Cardiovascular phenotype. Identifiers: MedGen CN230736.

gnomAD v4.1: 1 of 1,614,032 alleles (0.000062%); highest among the groups gnomAD compares: African/African-American, 0.0013%; no homozygotes.

Submission:

Ambry Genetics
Classification: Uncertain significance for Cardiovascular phenotype. Last evaluated: 2025-05-03. Review status: criteria provided, single submitter. Criteria: Ambry Variant Classification Scheme 2023. Collection method: clinical testing. Allele origin: germline.
Comment: The p.I7K variant (also known as c.20T>A), located in coding exon 1 of the CACNB2 gene, results from a T to A substitution at nucleotide position 20. The isoleucine at codon 7 is replaced by lysine, an amino acid with dissimilar properties. This amino acid position is conserved. In addition, this alteration is predicted to be tolerated by in silico analysis. Based on the available evidence, the clinical significance of this variant remains unclear.